The following is an entry in ClinVar:

NM_000540.3(RYR1):c.6939T>C (p.Leu2313=)

Gene: RYR1 (ryanodine receptor 1; plus strand). Cytogenetic location: 19q13.2.
Variant type: single nucleotide variant.
Coding change: c.6939T>C on transcript NM_000540.3 (MANE Select); coding-DNA position 6939, T replaced by C.
Protein change: p.Leu2313=; no amino-acid change (leucine 2313 retained).
Molecular consequence: synonymous variant.
Genome position (GRCh38, 1-based): chr19:38,499,155, T>C. VCF-style: chr19-38499155-T-C. GRCh37 (hg19) VCF-style: chr19-38989795-T-C.
Other names: c.6939T>C, p.Leu2313= (NM_001042723.2).
Identifiers: ClinVar variation 3069973 (VCV003069973.1), dbSNP rs2514308268, ClinGen allele CA507243162.

ClinVar aggregate classification (germline): Likely benign (1 of 4 stars; one submission).

Conditions:
Malignant hyperthermia, susceptibility to, 1 (MHS1). Also called: RYR1-Related Malignant Hyperthermia Susceptibility; Anesthesia related hyperthermia; Malignant hyperpyrexia; Fulminating hyperpyrexia; Pharmacogenic myopathy; Malignant hyperthermia suceptibility 1. Identifiers: Orphanet 423, MedGen C2930980, MONDO:0007783, OMIM 145600.

Allele frequency attached by ClinVar (database versions not stated): gnomAD exomes below 0.00001.
gnomAD v4.1: 1 of 1,614,114 alleles (0.000062%); highest among the groups gnomAD compares: Non-Finnish European, 0.000085%; no homozygotes.

Submission:

All of Us Research Program, National Institutes of Health
Classification: Likely benign for Malignant hyperthermia, susceptibility to, 1. Last evaluated: 2023-05-16. Review status: criteria provided, single submitter. Criteria: ACMG Guidelines, 2015. Collection method: clinical testing. Allele origin: germline. Inheritance: Autosomal dominant inheritance. Observed: 2 variant alleles, 2 heterozygotes.
Comment: This study involves interpretation of variants in research participants for the purpose of population health screening. Participant phenotype was not available at the time of variant classification. Additional details can be found in publication PMID: 35346344, PMCID: PMC8962531